The following is an entry in ClinVar:

ClinVar aggregate classification (germline): Likely benign. Review status: criteria provided, multiple submitters, no conflicts (2 of 4 stars). 8 submissions from 8 submitters: Likely benign (7). 1 of the submissions does not count toward it. Last evaluated 2026-02-04.

Conditions:
POLD1-related disorder. Also called: POLD1-related condition; POLD1-related disorders.
Hereditary cancer-predisposing syndrome. Also called: Hereditary Cancer Syndrome; Neoplastic Syndromes, Hereditary; Hereditary neoplastic syndrome; Tumor predisposition. Identifiers: Orphanet 140162, MedGen C0027672, MeSH D009386, MONDO:0015356.
POLD1-related polyposis and colorectal cancer syndrome (CRCS10). Also called: COLORECTAL CANCER, SUSCEPTIBILITY TO, ON CHROMOSOME 19q; Colorectal cancer 10; Colorectal cancer, susceptibility to, 10. Identifiers: Orphanet 220460, MedGen C2675481, MONDO:0012953, OMIM 612591.

Allele frequency attached by ClinVar (database versions not stated): gnomAD exomes 0.00001; TOPMed 0.00002.
gnomAD v4.1: 10 of 1,561,148 alleles (0.00064%); highest among the groups gnomAD compares: East Asian, 0.0048%; no homozygotes.

Submissions (8):

Labcorp Genetics (formerly Invitae), Labcorp
Classification: Likely benign for POLD1-related polyposis and colorectal cancer syndrome. Last evaluated: 2026-02-04. Review status: criteria provided, single submitter. Criteria: Invitae Variant Classification Sherloc (09022015). Collection method: clinical testing. Allele origin: germline.

Center for Genomic Medicine, Rigshospitalet, Copenhagen University Hospital
Classification: Likely benign. Last evaluated: 2025-12-29. Review status: criteria provided, single submitter. Criteria: ACMG Guidelines, 2015. Collection method: clinical testing. Allele origin: germline.

KCCC/NGS Laboratory, Kuwait Cancer Control Center
Classification: Likely benign for POLD1-related polyposis and colorectal cancer syndrome. Last evaluated: 2023-07-07. Review status: criteria provided, single submitter. Criteria: ACMG Guidelines, 2015. Collection method: clinical testing. Allele origin: germline. Affected: yes.

Sema4
Classification: Likely benign for Hereditary cancer-predisposing syndrome. Last evaluated: 2020-12-31. Review status: criteria provided, single submitter. Criteria: Sema4 Curation Guidelines. Collection method: curation. Allele origin: germline.

Quest Diagnostics Nichols Institute San Juan Capistrano
Classification: Likely benign. Last evaluated: 2019-03-29. Review status: criteria provided, single submitter. Criteria: Quest Diagnostics criteria. Collection method: clinical testing. Allele origin: germline.

GeneDx
Classification: Likely benign. Last evaluated: 2018-02-09. Review status: criteria provided, single submitter. Criteria: GeneDx Variant Classification (06012015). Collection method: clinical testing. Allele origin: germline. Affected: yes.
Comment: This variant is considered likely benign or benign based on one or more of the following criteria: it is a conservative change, it occurs at a poorly conserved position in the protein, it is predicted to be benign by multiple in silico algorithms, and/or has population frequency not consistent with disease.

Ambry Genetics
Classification: Likely benign for Hereditary cancer-predisposing syndrome. Last evaluated: 2015-10-23. Review status: criteria provided, single submitter. Criteria: Ambry Variant Classification Scheme 2023. Collection method: clinical testing. Allele origin: germline.

PreventionGenetics, part of Exact Sciences
Classification: Likely benign for POLD1-related condition. Last evaluated: 2019-02-18. Review status: no assertion criteria provided. Collection method: clinical testing. Allele origin: germline. Not counted in ClinVar's aggregate classification.
Comment: This variant is classified as likely benign based on ACMG/AMP sequence variant interpretation guidelines (Richards et al. 2015 PMID: 25741868, with internal and published modifications).

NM_002691.4(POLD1):c.2958G>C (p.Gly986=)

Gene: POLD1 (DNA polymerase delta 1, catalytic subunit; plus strand). Cytogenetic location: 19q13.33.
Variant type: single nucleotide variant.
Coding change: c.2958G>C on transcript NM_002691.4 (MANE Select); coding-DNA position 2958, G replaced by C.
Protein change: p.Gly986=; no amino-acid change (glycine 986 retained).
Molecular consequence: synonymous variant. On other transcripts: non-coding transcript variant (1).
Genome position (GRCh38, 1-based): chr19:50,416,614, G>C. VCF-style: chr19-50416614-G-C. GRCh37 (hg19) VCF-style: chr19-50919871-G-C.
Other names: c.2958G>C, p.Gly986= (NM_001256849.1); c.3036G>C, p.Gly1012= (NM_001308632.1).
Identifiers: ClinVar variation 239322 (VCV000239322.21), dbSNP rs878854547, ClinGen allele CA10583856.